The following is an entry in ClinVar:

NM_000458.4(HNF1B):c.721G>A (p.Ala241Thr)

Genes: HNF1B (HNF1 homeobox B; minus strand), LOC126862549 (BRD4-independent group 4 enhancer GRCh37_chr17:36093401-36094600; plus strand). Cytogenetic location: 17q12.
Variant type: single nucleotide variant.
Coding change: c.721G>A on transcript NM_000458.4 (MANE Select); coding-DNA position 721, G replaced by A.
Protein change: p.Ala241Thr; replaces alanine 241 with threonine.
Molecular consequence: missense variant.
Genome position (GRCh38, 1-based): chr17:37,733,645, C>T on the plus strand (G>A on the coding strand, the complement: HNF1B is on the minus strand). VCF-style: chr17-37733645-C-T. GRCh37 (hg19) VCF-style: chr17-36093638-C-T.
Other names: c.643G>A, p.Ala215Thr (NM_001165923.4, NM_001304286.2); short protein forms A241T, A215T.
Identifiers: ClinVar variation 288454 (VCV000288454.10), dbSNP rs761415487, ClinGen allele CA8519023.

ClinVar aggregate classification (germline): Uncertain significance. Review status: criteria provided, multiple submitters, no conflicts (2 of 4 stars). 5 submissions from 5 submitters: Uncertain significance (5). Last evaluated 2026-02-07.

Conditions:
HNF1B-related disorder. Also called: HNF1B-related disorders; HNF1B-related condition.
Renal cysts and diabetes syndrome (RCAD). Also called: MATURITY-ONSET DIABETES OF THE YOUNG, TYPE 5; Familial hypoplastic, glomerulocystic kidney. Identifiers: Orphanet 93111, MedGen C0431693, MONDO:0007669, OMIM 137920.
Type 2 diabetes mellitus. Also called: Type II diabetes mellitus. Identifiers: MedGen C0011860, MeSH D003924, MONDO:0005148, OMIM 125853, HP:0005978.
Nonpapillary renal cell carcinoma. Identifiers: Orphanet 422526, MedGen CN074294, MONDO:0007763, OMIM 144700.

Allele frequency attached by ClinVar (database versions not stated): ExAC 0.00001; gnomAD exomes 0.00001; gnomAD 0.00002; TOPMed 0.00002.

Submissions (5):

PreventionGenetics, part of Exact Sciences
Classification: Uncertain significance for HNF1B-related condition. Last evaluated: 2026-02-07. Review status: criteria provided, single submitter. Criteria: ACMG Guidelines, 2015. Collection method: clinical testing. Allele origin: germline.
Comment: The HNF1B c.721G>A variant is predicted to result in the amino acid substitution p.Ala241Thr. This variant has been reported in an individual with early onset diabetes (≤ 40 years) but was not found in 3 diabetic relatives (Weng et al. 2000. PubMed ID: 10672455). This variant is reported in 0.0040% of alleles in individuals of African descent in gnomAD. At this time, the clinical significance of this variant is uncertain due to the absence of conclusive functional and genetic evidence.

Labcorp Genetics (formerly Invitae), Labcorp
Classification: Uncertain significance. Last evaluated: 2024-08-10. Review status: criteria provided, single submitter. Criteria: Invitae Variant Classification Sherloc (09022015). Collection method: clinical testing. Allele origin: germline.
Comment: This sequence change replaces alanine, which is neutral and non-polar, with threonine, which is neutral and polar, at codon 241 of the HNF1B protein (p.Ala241Thr). This variant is present in population databases (rs761415487, gnomAD 0.004%). This missense change has been observed in individual(s) with HNF1B-related conditions (PMID: 10672455). ClinVar contains an entry for this variant (Variation ID: 288454). Advanced modeling of protein sequence and biophysical properties (such as structural, functional, and spatial information, amino acid conservation, physicochemical variation, residue mobility, and thermodynamic stability) performed at Invitae indicates that this missense variant is not expected to disrupt HNF1B protein function with a negative predictive value of 80%. In summary, the available evidence is currently insufficient to determine the role of this variant in disease. Therefore, it has been classified as a Variant of Uncertain Significance.

Fulgent Genetics
Classification: Uncertain significance for Type 2 diabetes mellitus; Renal cysts and diabetes syndrome; Nonpapillary renal cell carcinoma. Last evaluated: 2024-02-27. Review status: criteria provided, single submitter. Criteria: ACMG Guidelines, 2015. Collection method: clinical testing. Allele origin: germline.

Institute of Human Genetics, FAU Erlangen, Friedrich-Alexander-Universität Erlangen-Nürnberg
Classification: Uncertain significance for Renal cysts and diabetes syndrome. Last evaluated: 2019-07-06. Review status: criteria provided, single submitter. Criteria: ACMG Guidelines, 2015. Collection method: literature only. Allele origin: germline. Affected: yes.
Comment: This variant and it's classification has been reported by Vasileiou et al. 2019; DOI:10.1101/576918. The variants has previously been reported in PMID:25700310; PMID:23539225; PMID:25536396 as "c.721G>A; c.721G>A" with clinical significance Pathogenic. It has been re-classified using InterVar and manual curation as Uncertain significance based on PM1 PP3 PP5.

Eurofins Ntd Llc (ga)
Classification: Uncertain significance. Last evaluated: 2016-06-02. Review status: criteria provided, single submitter. Criteria: EGL Classification Definitions 2015. Collection method: clinical testing. Allele origin: germline. Observed: 1 variant allele, 1 heterozygote.

Literature cited by the submitters: PubMed 10672455 (cited by Labcorp Genetics (formerly Invitae), Labcorp); PubMed 25700310 (cited by Institute of Human Genetics, FAU Erlangen, Friedrich-Alexander-Universität Erlangen-Nürnberg); PubMed 23539225 (cited by Institute of Human Genetics, FAU Erlangen, Friedrich-Alexander-Universität Erlangen-Nürnberg); PubMed 25536396 (cited by Institute of Human Genetics, FAU Erlangen, Friedrich-Alexander-Universität Erlangen-Nürnberg); DOI 10.1101/576918 (cited by Institute of Human Genetics, FAU Erlangen, Friedrich-Alexander-Universität Erlangen-Nürnberg).